The following is an entry in ClinVar:

ClinVar aggregate classification (germline): Uncertain significance (1 of 4 stars; one submission).

Submission:

Labcorp Genetics (formerly Invitae), Labcorp
Classification: Uncertain significance. Last evaluated: 2022-10-17. Review status: criteria provided, single submitter. Criteria: Invitae Variant Classification Sherloc (09022015). Collection method: clinical testing. Allele origin: germline.
Comment: In summary, the available evidence is currently insufficient to determine the role of this variant in disease. Therefore, it has been classified as a Variant of Uncertain Significance. Algorithms developed to predict the effect of missense changes on protein structure and function output the following: SIFT: "Tolerated"; PolyPhen-2: "Benign"; Align-GVGD: "Class C0". The alanine amino acid residue is found in multiple mammalian species, which suggests that this missense change does not adversely affect protein function. ClinVar contains an entry for this variant (Variation ID: 1521401). This variant has not been reported in the literature in individuals affected with MPDZ-related conditions. This variant is not present in population databases (gnomAD no frequency). This sequence change replaces threonine, which is neutral and polar, with alanine, which is neutral and non-polar, at codon 342 of the MPDZ protein (p.Thr342Ala).

NM_001378778.1(MPDZ):c.1024A>G (p.Thr342Ala)

Gene: MPDZ (multiple PDZ domain crumbs cell polarity complex component; minus strand). Cytogenetic location: 9p23.
Variant type: single nucleotide variant.
Coding change: c.1024A>G on transcript NM_001378778.1 (MANE Select); coding-DNA position 1024, A replaced by G.
Protein change: p.Thr342Ala; replaces threonine 342 with alanine.
Molecular consequence: missense variant.
Genome position (GRCh38, 1-based): chr9:13,219,621, T>C on the plus strand (A>G on the coding strand, the complement: MPDZ is on the minus strand). VCF-style: chr9-13219621-T-C. GRCh37 (hg19) VCF-style: chr9-13219620-T-C.
Other names: c.1024A>G, p.Thr342Ala (NM_001261406.2, NM_001261407.2, NM_001330637.2 and 14 more transcripts); short protein forms T342A.
Identifiers: ClinVar variation 1521401 (VCV001521401.6), dbSNP rs2136219527, ClinGen allele CA372945584.